The following is an entry in ClinVar:

ClinVar aggregate classification (germline): Likely pathogenic (1 of 4 stars; one submission).

Conditions:
Neurodevelopmental disorder with language impairment and behavioral abnormalities. Also called: GRIA2-related neurodevelopmental disorder. Identifiers: MedGen C5394502, MONDO:0030060, OMIM 618917.

Submission:

Rady Children's Institute for Genomic Medicine, Rady Children's Hospital San Diego
Classification: Likely pathogenic for Neurodevelopmental disorder with language impairment and behavioral abnormalities. Review status: criteria provided, single submitter. Criteria: ACMG Guidelines, 2015. Collection method: clinical testing. Allele origin: germline. Affected: yes.
Comment: A different amino acid change at the same residue (p.Ala639Ser) has been previously reported in two patients with intellectual disability and neurodevelopmental abnormalities (PMID: 31300657). The GRIA2 gene is constrained against variation (Z-score= 4.56 and pLI = 1), and missense variants are a common mechanism of disease (HGMD, ClinVar database; PMID: 31300657). The c.1916C>G (p.Ala639Gly) variant is absent from the gnomAD population database and thus is presumed to be rare. The c.1916C>G (p.Ala639Gly) variant affects a highly conserved amino acid and is predicted by multiple in silico tools to have a discordant effect on protein function. Analysis of the parental samples was negative for the variant, indicating this variant likely occurred as a de novo event. Based on the available evidence, the c.1916C>G (p.Ala639Gly) variant is classified as Likely Pathogenic.

NM_001083619.3(GRIA2):c.1916C>G (p.Ala639Gly)

Gene: GRIA2 (glutamate ionotropic receptor AMPA type subunit 2; plus strand). Cytogenetic location: 4q32.1.
Variant type: single nucleotide variant.
Coding change: c.1916C>G on transcript NM_001083619.3 (MANE Select); coding-DNA position 1916, C replaced by G.
Protein change: p.Ala639Gly; replaces alanine 639 with glycine.
Molecular consequence: missense variant.
Genome position (GRCh38, 1-based): chr4:157,341,335, C>G. VCF-style: chr4-157341335-C-G. GRCh37 (hg19) VCF-style: chr4-158262487-C-G.
Other names: c.1916C>G, p.Ala639Gly (NM_000826.6); c.1775C>G, p.Ala592Gly (NM_001083620.3, NM_001379000.3, NM_001379001.3); short protein forms A592G, A639G.
Identifiers: ClinVar variation 2584460 (VCV002584460.1), dbSNP rs2530775821, ClinGen allele CA358648898.